The following is an entry in ClinVar:

ClinVar aggregate classification (germline): Uncertain significance. Review status: criteria provided, multiple submitters, no conflicts (2 of 4 stars). 3 submissions from 3 submitters: Uncertain significance (3). Last evaluated 2024-12-07.

Conditions:
Baller-Gerold syndrome (BGS). Also called: CRANIOSYNOSTOSIS WITH RADIAL DEFECTS. Identifiers: Orphanet 1225, MedGen C0265308, MONDO:0009039, OMIM 218600.
Rothmund-Thomson syndrome type 2 (RTS2). Identifiers: Orphanet 221016, MedGen C5203410, MONDO:0016369, OMIM 268400.
Inborn genetic diseases. Identifiers: MedGen C0950123, MeSH D030342.

Allele frequency attached by ClinVar (database versions not stated): TOPMed 0.00002.
gnomAD v4.1: 2 of 1,608,612 alleles (0.00012%); highest among the groups gnomAD compares: Admixed American, 0.0017%; no homozygotes.

Submissions (3):

Ambry Genetics
Classification: Uncertain significance for Inborn genetic diseases. Last evaluated: 2024-12-07. Review status: criteria provided, single submitter. Criteria: Ambry Variant Classification Scheme 2023. Collection method: clinical testing. Allele origin: germline.
Comment: The p.R758P variant (also known as c.2273G>C), located in coding exon 14 of the RECQL4 gene, results from a G to C substitution at nucleotide position 2273. The arginine at codon 758 is replaced by proline, an amino acid with dissimilar properties. This amino acid position is conserved. In addition, the in silico prediction for this alteration is inconclusive. Based on the available evidence, the clinical significance of this variant remains unclear.

Labcorp Genetics (formerly Invitae), Labcorp
Classification: Uncertain significance for Baller-Gerold syndrome. Last evaluated: 2022-11-16. Review status: criteria provided, single submitter. Criteria: Invitae Variant Classification Sherloc (09022015). Collection method: clinical testing. Allele origin: germline.
Comment: In summary, the available evidence is currently insufficient to determine the role of this variant in disease. Therefore, it has been classified as a Variant of Uncertain Significance. Advanced modeling of protein sequence and biophysical properties (such as structural, functional, and spatial information, amino acid conservation, physicochemical variation, residue mobility, and thermodynamic stability) has been performed at Invitae for this missense variant, however the output from this modeling did not meet the statistical confidence thresholds required to predict the impact of this variant on RECQL4 protein function. ClinVar contains an entry for this variant (Variation ID: 1036666). This variant has not been reported in the literature in individuals affected with RECQL4-related conditions. This variant is not present in population databases (gnomAD no frequency). This sequence change replaces arginine, which is basic and polar, with proline, which is neutral and non-polar, at codon 758 of the RECQL4 protein (p.Arg758Pro).

Baylor Genetics
Classification: Uncertain significance for Rothmund-Thomson syndrome type 2. Last evaluated: 2021-07-13. Review status: criteria provided, single submitter. Criteria: ACMG Guidelines, 2015. Collection method: clinical testing. Allele origin: unknown. Affected: yes. Study: CSER-TexasKidsCanSeq.
Comment: This variant was determined to be of uncertain significance according to ACMG Guidelines, 2015 [PMID:25741868].

NM_004260.4(RECQL4):c.2273G>C (p.Arg758Pro)

Gene: RECQL4 (RecQ like helicase 4; minus strand). Cytogenetic location: 8q24.3.
Variant type: single nucleotide variant.
Coding change: c.2273G>C on transcript NM_004260.4 (MANE Select); coding-DNA position 2273, G replaced by C.
Protein change: p.Arg758Pro; replaces arginine 758 with proline.
Molecular consequence: missense variant.
Genome position (GRCh38, 1-based): chr8:144,513,408, C>G on the plus strand (G>C on the coding strand, the complement: RECQL4 is on the minus strand). VCF-style: chr8-144513408-C-G. GRCh37 (hg19) VCF-style: chr8-145738792-C-G.
Other names: short protein forms R758P.
Identifiers: ClinVar variation 1036666 (VCV001036666.7), dbSNP rs748416710, ClinGen allele CA187682623.